The following is an entry in ClinVar:

ClinVar aggregate classification (germline): Uncertain significance (1 of 4 stars; one submission).

Conditions:
Fanconi anemia (FA). Also called: Fanconi's anemia. Identifiers: Orphanet 84, MedGen C0015625, MeSH D005199, MONDO:0019391.

Allele frequency attached by ClinVar (database versions not stated): gnomAD 0.00001; gnomAD exomes 0.00001; TOPMed 0.00001.
gnomAD v4.1: 14 of 1,613,338 alleles (0.00087%); highest among the groups gnomAD compares: Admixed American, 0.0033%; no homozygotes.

Submission:

Labcorp Genetics (formerly Invitae), Labcorp
Classification: Uncertain significance for Fanconi anemia. Last evaluated: 2020-11-16. Review status: criteria provided, single submitter. Criteria: Invitae Variant Classification Sherloc (09022015). Collection method: clinical testing. Allele origin: germline.
Comment: This variant has not been reported in the literature in individuals with FANCD2-related conditions. This sequence change replaces serine with leucine at codon 437 of the FANCD2 protein (p.Ser437Leu). The serine residue is weakly conserved and there is a large physicochemical difference between serine and leucine. This variant is not present in population databases (ExAC no frequency). Algorithms developed to predict the effect of missense changes on protein structure and function output the following: SIFT: "Tolerated"; PolyPhen-2: "Benign"; Align-GVGD: "Class C0". The leucine amino acid residue is found in multiple mammalian species, suggesting that this missense change does not adversely affect protein function. These predictions have not been confirmed by published functional studies and their clinical significance is uncertain. In summary, the available evidence is currently insufficient to determine the role of this variant in disease. Therefore, it has been classified as a Variant of Uncertain Significance.

NM_001018115.3(FANCD2):c.1310C>T (p.Ser437Leu)

Genes: FANCD2 (FA complementation group D2; plus strand), LOC107303338 (3p25 FANCD2 Alu-mediated recombination region; plus strand). Cytogenetic location: 3p25.3.
Variant type: single nucleotide variant.
Coding change: c.1310C>T on transcript NM_001018115.3 (MANE Select); coding-DNA position 1310, C replaced by T.
Protein change: p.Ser437Leu; replaces serine 437 with leucine.
Molecular consequence: missense variant.
Genome position (GRCh38, 1-based): chr3:10,047,948, C>T. VCF-style: chr3-10047948-C-T. GRCh37 (hg19) VCF-style: chr3-10089632-C-T.
Other names: c.1310C>T, p.Ser437Leu (NM_001319984.2, NM_001374253.1, NM_001374254.1 and 1 more transcripts); short protein forms S437L.
Identifiers: ClinVar variation 850998 (VCV000850998.9), dbSNP rs1349417700, ClinGen allele CA351735890.